The following is an entry in ClinVar:

NM_003322.6(TULP1):c.1063G>C (p.Asp355His)

Gene: TULP1 (TUB like protein 1; minus strand). Cytogenetic location: 6p21.31.
Variant type: single nucleotide variant.
Coding change: c.1063G>C on transcript NM_003322.6 (MANE Select); coding-DNA position 1063, G replaced by C.
Protein change: p.Asp355His; replaces aspartic acid 355 with histidine.
Molecular consequence: missense variant.
Genome position (GRCh38, 1-based): chr6:35,505,790, C>G on the plus strand (G>C on the coding strand, the complement: TULP1 is on the minus strand). VCF-style: chr6-35505790-C-G. GRCh37 (hg19) VCF-style: chr6-35473567-C-G.
Other names: c.904G>C, p.Asp302His (NM_001289395.2); short protein forms D302H, D355H.
Identifiers: ClinVar variation 2763586 (VCV002763586.3), dbSNP rs1085307806, ClinGen allele CA363779721.

ClinVar aggregate classification (germline): Uncertain significance (1 of 4 stars; one submission).

gnomAD v4.1: 5 of 1,614,082 alleles (0.00031%); highest among the groups gnomAD compares: Non-Finnish European, 0.00042%; no homozygotes.

Submission:

Labcorp Genetics (formerly Invitae), Labcorp
Classification: Uncertain significance. Last evaluated: 2023-09-27. Review status: criteria provided, single submitter. Criteria: Invitae Variant Classification Sherloc (09022015). Collection method: clinical testing. Allele origin: germline.
Comment: This variant disrupts the p.Asp355 amino acid residue in TULP1. Other variant(s) that disrupt this residue have been observed in individuals with TULP1-related conditions (PMID: 23847139, 33576794), which suggests that this may be a clinically significant amino acid residue. In summary, the available evidence is currently insufficient to determine the role of this variant in disease. Therefore, it has been classified as a Variant of Uncertain Significance. Advanced modeling of protein sequence and biophysical properties (such as structural, functional, and spatial information, amino acid conservation, physicochemical variation, residue mobility, and thermodynamic stability) performed at Invitae indicates that this missense variant is expected to disrupt TULP1 protein function. This sequence change replaces aspartic acid, which is acidic and polar, with histidine, which is basic and polar, at codon 355 of the TULP1 protein (p.Asp355His). This variant is not present in population databases (gnomAD no frequency). This variant has not been reported in the literature in individuals affected with TULP1-related conditions.

Literature cited by the submitters: PubMed 23847139; PubMed 33576794.